The following is an entry in ClinVar:

ClinVar aggregate classification (germline): Uncertain significance (1 of 4 stars; one submission).

gnomAD v4.1: 3 of 1,612,748 alleles (0.00019%); highest among the groups gnomAD compares: Admixed American, 0.0017%; no homozygotes.

Submission:

Labcorp Genetics (formerly Invitae), Labcorp
Classification: Uncertain significance. Last evaluated: 2023-10-13. Review status: criteria provided, single submitter. Criteria: Invitae Variant Classification Sherloc (09022015). Collection method: clinical testing. Allele origin: germline.
Comment: This sequence change replaces asparagine, which is neutral and polar, with aspartic acid, which is acidic and polar, at codon 366 of the UNC45A protein (p.Asn366Asp). This variant is present in population databases (no rsID available, gnomAD 0.003%). This variant has not been reported in the literature in individuals affected with UNC45A-related conditions. Advanced modeling of protein sequence and biophysical properties (such as structural, functional, and spatial information, amino acid conservation, physicochemical variation, residue mobility, and thermodynamic stability) performed at Invitae indicates that this missense variant is not expected to disrupt UNC45A protein function. In summary, the available evidence is currently insufficient to determine the role of this variant in disease. Therefore, it has been classified as a Variant of Uncertain Significance.

NM_018671.5(UNC45A):c.1096A>G (p.Asn366Asp)

Gene: UNC45A (unc-45 myosin chaperone A; plus strand). Cytogenetic location: 15q26.1.
Variant type: single nucleotide variant.
Coding change: c.1096A>G on transcript NM_018671.5 (MANE Select); coding-DNA position 1096, A replaced by G.
Protein change: p.Asn366Asp; replaces asparagine 366 with aspartic acid.
Molecular consequence: missense variant.
Genome position (GRCh38, 1-based): chr15:90,944,960, A>G. VCF-style: chr15-90944960-A-G. GRCh37 (hg19) VCF-style: chr15-91488190-A-G.
Other names: c.1051A>G, p.Asn351Asp (NM_001039675.2, NM_001323621.2); c.1096A>G, p.Asn366Asp (NM_001323619.1); c.661A>G, p.Asn221Asp (NM_001323620.2); short protein forms N221D, N366D, N351D.
Identifiers: ClinVar variation 2975100 (VCV002975100.1), dbSNP rs777956886, ClinGen allele CA393854886.